The following is an entry in ClinVar:

ClinVar aggregate classification (germline): Uncertain significance (1 of 4 stars; one submission).

Conditions:
SEMA3C-related disorder. Also called: SEMA3C-related condition.

Submission:

PreventionGenetics, part of Exact Sciences
Classification: Uncertain significance for SEMA3C-related condition. Last evaluated: 2026-05-16. Review status: criteria provided, single submitter. Criteria: ACMG Guidelines, 2015. Collection method: clinical testing. Allele origin: germline.
Comment: The SEMA3C c.2161C>G variant is predicted to result in the amino acid substitution p.Gln721Glu. To our knowledge, this variant has not been reported in the literature or in a large population database (gnomAD), indicating this variant is rare. At this time, the clinical significance of this variant is uncertain due to the absence of conclusive functional and genetic evidence.

NM_006379.5(SEMA3C):c.2107C>G (p.Gln703Glu)

Gene: SEMA3C (semaphorin 3C; minus strand). Cytogenetic location: 7q21.11.
Variant type: single nucleotide variant.
Coding change: c.2107C>G on transcript NM_006379.5 (MANE Select); coding-DNA position 2107, C replaced by G.
Protein change: p.Gln703Glu; replaces glutamine 703 with glutamic acid.
Molecular consequence: missense variant.
Genome position (GRCh38, 1-based): chr7:80,745,043, G>C on the plus strand (C>G on the coding strand, the complement: SEMA3C is on the minus strand). VCF-style: chr7-80745043-G-C. GRCh37 (hg19) VCF-style: chr7-80374359-G-C.
Other names: c.2161C>G, p.Gln721Glu (NM_001350120.2); c.1933C>G, p.Gln645Glu (NM_001350121.2); short protein forms Q645E, Q703E, Q721E.
Identifiers: ClinVar variation 4995659 (VCV004995659.1).
Genomic context (GRCh38, chr7:80,745,043, plus strand): 5'-GTGATTCATCTCCCTGCTGATGTTGCTGCCGAGTGTCTTTGCAATATTGGTTAATCATCT[G>C]CATTTCTGAGTGGCTGAATGCCCCCATGATGTCCTTCGGGTGGAAGGGTAAAGCCCTCAC-3'
Protein context (NP_006370.1, residues 693-713): IMGAFSHSEM[Gln703Glu]MINQYCKDTR